The following is an entry in ClinVar:

NM_001374385.1(ATP8B1):c.1220G>A (p.Ser407Asn)

Gene: ATP8B1 (ATPase phospholipid transporting 8B1; minus strand). Cytogenetic location: 18q21.31.
Variant type: single nucleotide variant.
Coding change: c.1220G>A on transcript NM_001374385.1 (MANE Select); coding-DNA position 1220, G replaced by A.
Protein change: p.Ser407Asn; replaces serine 407 with asparagine.
Molecular consequence: missense variant.
Genome position (GRCh38, 1-based): chr18:57,691,807, C>T on the plus strand (G>A on the coding strand, the complement: ATP8B1 is on the minus strand). VCF-style: chr18-57691807-C-T. GRCh37 (hg19) VCF-style: chr18-55359039-C-T.
Other names: c.1070G>A, p.Ser357Asn (NM_001374386.1); c.1220G>A, p.Ser407Asn (NM_005603.6); short protein forms S357N, S407N.
Identifiers: ClinVar variation 4846286 (VCV004846286.1).
Genomic context (GRCh38, chr18:57,691,807, plus strand): 5'-TGTTGGGAGAAGGTACAACATTCTTCCATTAAAGCAAAATGCCAGAGAGGACAGCCTTAC[C>T]TGACATAGAGAGAGATGGGTACCATGGTGTTGAGAACAATGATATAGCCCCAGAAAATGA-3'
Protein context (NP_001361314.1, residues 397-417): NTMVPISLYV[Ser407Asn]VEVIRLGQSH

ClinVar aggregate classification (germline): Uncertain significance (1 of 4 stars; one submission).

Conditions:
Familial intrahepatic cholestasis. Identifiers: Orphanet 284385, MedGen CN296401, MONDO:0017290.

Submission:

Genomenon, Inc
Classification: Uncertain significance for Familial intrahepatic cholestasis. Last evaluated: 2026-04-14. Review status: criteria provided, single submitter. Criteria: Genomenon Sequence Variant Interpretation Standards - Updated. Collection method: curation. Allele origin: germline. Affected: yes.
Comment: ATP8B1 p.Ser407Asn (c.1220G>A) is a missense variant that changes the amino acid at residue 407 from Serine to Asparagine. This variant has been reported in at least one proband with features of ATP8B1-deficiency (PMID:34016879;25383786). It is absent or not present at a significant frequency in gnomAD. In silico models predict that this variant is possibly or probably damaging. In conclusion, we classify ATP8B1 p.Ser407Asn (c.1220G>A) as a variant of uncertain significance.

Literature cited by the submitters: PubMed 34016879; PubMed 25383786.